The following is an entry in ClinVar:

NM_002878.4(RAD51D):c.402_405del (p.Leu133_Tyr134insTer)

Genes: RAD51L3-RFFL (RAD51L3-RFFL readthrough; minus strand), RAD51D (RAD51 paralog D; minus strand). Cytogenetic location: 17q12.
Variant type: Deletion.
Coding change: c.402_405del on transcript NM_002878.4 (MANE Select); coding-DNA positions 402 to 405, 4 bases deleted (TGTA; older notation c.402_405delTGTA).
Protein change: p.Leu133_Tyr134insTer.
Molecular consequence: nonsense. On other transcripts: non-coding transcript variant (1), intron variant (1).
Genome position (GRCh38, 1-based): chr17:35,107,063-35,107,066, TACA deleted on the plus strand (TGTA on the coding strand, the reverse complement: RAD51D is on the minus strand); deleting any 4 consecutive bases within chr17:35,107,063-35,107,068 gives the same sequence; the c. name uses the placement nearest the transcript's 3' end. VCF-style (leftmost placement, unchanged base first): chr17-35107062-CTACA-C. GRCh37 (hg19) VCF-style: chr17-33434081-CTACA-C.
Other names: c.462_465del, p.Leu153_Tyr154insTer (NM_001142571.2); c.145-585_145-582del (NM_133629.3).
Identifiers: ClinVar variation 4813001 (VCV004813001.1).
Genomic context (GRCh38, chr17:35,107,062, plus strand): 5'-CCTGGGTTTTAGCCTGAAGCAGCTGGAGGAGGCGGGAAGCTGTCAGCCCTCCATTGGAAT[CTACA>C]TATAGGACGTTTTGCTGCAGGCCATGGGCCACATTTGCTGCCATACAGAGACATACCTGG-3'

ClinVar aggregate classification (germline): Pathogenic (1 of 4 stars; one submission).

Conditions:
Breast-ovarian cancer, familial, susceptibility to, 4. Identifiers: Orphanet 145, MedGen C3280345, MONDO:0013669, OMIM 614291.

Submission:

Myriad Genetics, Inc.
Classification: Pathogenic for Breast-ovarian cancer, familial, susceptibility to, 4. Last evaluated: 2025-11-26. Review status: criteria provided, single submitter. Criteria: Myriad Autosomal Dominant, Autosomal Recessive and X-Linked Classification Criteria (2023). Collection method: clinical testing. Allele origin: unknown.
Comment: This variant is considered pathogenic. This variant creates a termination codon and is predicted to result in premature protein truncation.